The following is an entry in ClinVar:

ClinVar aggregate classification (germline): Pathogenic/Likely pathogenic. Review status: criteria provided, multiple submitters, no conflicts (2 of 4 stars). 7 submissions from 7 submitters: Pathogenic (3); Likely pathogenic (3). 1 of the submissions does not count toward it. Last evaluated 2026-03-24.

Conditions:
Type 2 diabetes mellitus. Also called: Type II diabetes mellitus. Identifiers: MedGen C0011860, MeSH D003924, MONDO:0005148, OMIM 125853, HP:0005978.
Hyperinsulinemic hypoglycemia, familial, 1 (HHF1). Also called: HYPERINSULINISM, FAMILIAL, WITH PANCREATIC NESIDIOBLASTOSIS; HYPOGLYCEMIA, HYPERINSULINEMIC, OF INFANCY; Persistent hyperinsulinemic hypoglycemia of infancy; NESIDIOBLASTOSIS OF PANCREAS; Persistent Hyperinsulinemia Hypoglycemia of Infancy. Identifiers: Orphanet 276575, Orphanet 276598, MedGen C2931832, MONDO:0009734, OMIM 256450.
Hereditary hyperinsulinism.

Allele frequency attached by ClinVar (database versions not stated): TOPMed 0.00003.

Submissions (7):

GeneDx
Classification: Likely pathogenic. Last evaluated: 2026-03-24. Review status: criteria provided, single submitter. Criteria: GeneDx Variant Classification Process June 2021. Collection method: clinical testing. Allele origin: germline.
Comment: Identified in a patient with congenital hyperinsulinism (PMID: 16357843); Not observed at significant frequency in large population cohorts (gnomAD); In silico analysis supports that this missense variant has a deleterious effect on protein structure/function; This variant is associated with the following publications: (PMID: 23275527, 9618169, 16357843)

Natera, Inc.
Classification: Likely pathogenic for Hereditary hyperinsulinism. Last evaluated: 2025-07-15. Review status: criteria provided, single submitter. Criteria: Natera Variant Classification Schema (03/2026). Collection method: clinical testing. Allele origin: germline.
Comment: The c.4132G>C variant in ABCC8 is a missense variant predicted to cause substitution of glycine to arginine at amino acid 1378. This variant is rare in the general population with a frequency below the threshold expected for the associated phenotype(s). This variant has been observed in affected individual(s) with monoallelic occurrence (heterozygous/hemizygous) (PMID: 24401662). A different variant at the same position has been determined to be Pathogenic or Likely Pathogenic. Computational prediction algorithms indicate this variant is likely to affect gene or protein function. Given the available evidence, this variant is classified as Likely Pathogenic.

Dasa
Classification: Pathogenic. Last evaluated: 2025-02-24. Review status: criteria provided, single submitter. Criteria: DASA Assertion Criteria. Collection method: clinical testing. Allele origin: germline.
Comment: NM_000352.6(ABCC8):c.4132G>C (p.Gly1378Arg) is a missense variant that results in the substitution of glycine with arginine. The affected residue or protein region has prior evidence supporting clinical relevance. This variant has been recurrently observed in individuals with related phenotype (PMID: 10685980; PMID: 16357843; PMID: 23275527). Multiple computational predictions support a deleterious effect on the gene or gene product. The variant is present at low frequency in population datasets. Based on the available data, this variant is classified as pathogenic.

Labcorp Genetics (formerly Invitae), Labcorp
Classification: Pathogenic. Last evaluated: 2024-10-17. Review status: criteria provided, single submitter. Criteria: Invitae Variant Classification Sherloc (09022015). Collection method: clinical testing. Allele origin: germline.
Comment: This sequence change replaces glycine, which is neutral and non-polar, with arginine, which is basic and polar, at codon 1378 of the ABCC8 protein (p.Gly1378Arg). This variant is not present in population databases (gnomAD no frequency). This missense change has been observed in individuals with autosomal recessive familial hyperinsulinism (PMID: 16357843, 23275527). This variant is also known as p.Gly1379Arg. ClinVar contains an entry for this variant (Variation ID: 554195). Invitae Evidence Modeling of protein sequence and biophysical properties (such as structural, functional, and spatial information, amino acid conservation, physicochemical variation, residue mobility, and thermodynamic stability) indicates that this missense variant is expected to disrupt ABCC8 protein function with a positive predictive value of 95%. This variant disrupts the p.Gly1378 amino acid residue in ABCC8. Other variant(s) that disrupt this residue have been determined to be pathogenic (PMID: 34304300). This suggests that this residue is clinically significant, and that variants that disrupt this residue are likely to be disease-causing. For these reasons, this variant has been classified as Pathogenic.

Baylor Genetics
Classification: Likely pathogenic for Type 2 diabetes mellitus. Last evaluated: 2023-06-16. Review status: criteria provided, single submitter. Criteria: ACMG Guidelines, 2015. Collection method: clinical testing. Allele origin: unknown.

Athena Diagnostics
Classification: Pathogenic. Last evaluated: 2018-03-09. Review status: criteria provided, single submitter. Criteria: Athena Diagnostics Criteria. Collection method: clinical testing. Allele origin: germline.

Counsyl
Classification: Uncertain significance for Hyperinsulinemic hypoglycemia, familial, 1. Last evaluated: 2017-10-02. Review status: no assertion criteria provided. Collection method: clinical testing. Allele origin: unknown. Not counted in ClinVar's aggregate classification.

Literature cited by the submitters: PubMed 24401662 (cited by Natera, Inc. and Counsyl); PubMed 10685980 (cited by Dasa); PubMed 16357843 (cited by 3 submitters); PubMed 23275527 (cited by 4 submitters); PubMed 34304300 (cited by Labcorp Genetics (formerly Invitae), Labcorp); PubMed 9618169 (cited by Athena Diagnostics and Counsyl).

NM_000352.6(ABCC8):c.4132G>C (p.Gly1378Arg)

Gene: ABCC8 (ATP binding cassette subfamily C member 8; minus strand). Cytogenetic location: 11p15.1.
Variant type: single nucleotide variant.
Coding change: c.4132G>C on transcript NM_000352.6 (MANE Select); coding-DNA position 4132, G replaced by C.
Protein change: p.Gly1378Arg; replaces glycine 1378 with arginine.
Molecular consequence: missense variant. On other transcripts: non-coding transcript variant (1).
Genome position (GRCh38, 1-based): chr11:17,395,918, C>G on the plus strand (G>C on the coding strand, the complement: ABCC8 is on the minus strand). VCF-style: chr11-17395918-C-G. GRCh37 (hg19) VCF-style: chr11-17417465-C-G.
Other names: c.4135G>C, p.Gly1379Arg (NM_001287174.3); c.4198G>C, p.Gly1400Arg (NM_001351295.2); c.4132G>C, p.Gly1378Arg (NM_001351296.2); c.4129G>C, p.Gly1377Arg (NM_001351297.2); c.4132G>C (NM_000352.4); short protein forms G1379R, G1378R, G1377R, G1400R.
Identifiers: ClinVar variation 554195 (VCV000554195.11), dbSNP rs925231098, ClinGen allele CA379788454.